The following is an entry in ClinVar:

ClinVar aggregate classification (germline): Benign (1 of 4 stars; one submission).

Conditions:
Autosomal dominant nocturnal frontal lobe epilepsy 4. Also called: EPILEPSY, FAMILIAL, WITH NOCTURNAL WANDERING AND ICTAL FEAR; CHRNA2-Related Nocturnal Frontal Lobe Epilepsy, Autosomal Dominant. Identifiers: Orphanet 98784, MedGen C1835905, MONDO:0012474, OMIM 610353.

Allele frequency attached by ClinVar (database versions not stated): 1000 Genomes Project 0.00399; gnomAD 0.00034 and 0.00066; TOPMed 0.00059; gnomAD exomes 0.00108; ExAC 0.00121; 1000 Genomes Project 30x 0.00344.
gnomAD v4.1: 836 of 1,613,804 alleles (0.052%); highest among the groups gnomAD compares: East Asian, 0.89%; 6 homozygotes.

Submission:

Illumina Laboratory Services, Illumina
Classification: Benign for Autosomal dominant nocturnal frontal lobe epilepsy 4. Last evaluated: 2018-01-13. Review status: criteria provided, single submitter. Criteria: ICSL Variant Classification Criteria 13 December 2019. Collection method: clinical testing. Allele origin: germline.
Comment: This variant was observed in the ICSL laboratory as part of a predisposition screen in an ostensibly healthy population. It had not been previously curated by ICSL or reported in the Human Gene Mutation Database (HGMD: prior to June 1st, 2018), and was therefore a candidate for classification through an automated scoring system. Utilizing variant allele frequency, disease prevalence and penetrance estimates, and inheritance mode, an automated score was calculated to assess if this variant is too frequent to cause the disease. Based on the score and internal cut-off values, a variant classified as benign is not then subjected to further curation. The score for this variant resulted in a classification of benign for this disease.

NM_000742.4(CHRNA2):c.*29G>A

Gene: CHRNA2 (cholinergic receptor nicotinic alpha 2 subunit; minus strand). Cytogenetic location: 8p21.2.
Variant type: single nucleotide variant.
Coding change: c.*29G>A on transcript NM_000742.4 (MANE Select); 29 bases downstream of the stop codon, G replaced by A.
Molecular consequence: 3 prime UTR variant.
Genome position (GRCh38, 1-based): chr8:27,461,600, C>T on the plus strand (G>A on the coding strand, the complement: CHRNA2 is on the minus strand). VCF-style: chr8-27461600-C-T. GRCh37 (hg19) VCF-style: chr8-27319117-C-T.
Other names: c.*29G>A (NM_001282455.2, NM_001347705.2, NM_001347706.2 and 2 more transcripts).
Identifiers: ClinVar variation 362692 (VCV000362692.5), dbSNP rs186509115, ClinGen allele CA4689393.